The following is an entry in ClinVar:

NM_005589.4(ALDH6A1):c.6G>T (p.Ala2=)

Gene: ALDH6A1 (aldehyde dehydrogenase 6 family member A1; minus strand). Cytogenetic location: 14q24.3.
Variant type: single nucleotide variant.
Coding change: c.6G>T on transcript NM_005589.4 (MANE Select); coding-DNA position 6, G replaced by T.
Protein change: p.Ala2=; no amino-acid change (alanine 2 retained).
Molecular consequence: synonymous variant. On other transcripts: 5 prime UTR variant (1).
Genome position (GRCh38, 1-based): chr14:74,084,389, C>A on the plus strand (G>T on the coding strand, the complement: ALDH6A1 is on the minus strand). VCF-style: chr14-74084389-C-A. GRCh37 (hg19) VCF-style: chr14-74551092-C-A.
Other names: c.6G>T, p.Ala2= (NM_001278593.2); c.-620G>T (NM_001278594.2).
Identifiers: ClinVar variation 3048380 (VCV003048380.2), dbSNP rs948820344, ClinGen allele CA263553557.

ClinVar aggregate classification (germline): Likely benign (0 of 4 stars; one submission).

Conditions:
ALDH6A1-related disorder. Also called: ALDH6A1-related condition.

Allele frequency attached by ClinVar (database versions not stated): gnomAD 0.00001; TOPMed 0.00001.
gnomAD v4.1: 15 of 1,613,440 alleles (0.00093%); highest among the groups gnomAD compares: Non-Finnish European, 0.0013%; no homozygotes.

Submission:

PreventionGenetics, part of Exact Sciences
Classification: Likely benign for ALDH6A1-related condition. Last evaluated: 2022-08-29. Review status: no assertion criteria provided. Collection method: clinical testing. Allele origin: germline.
Comment: This variant is classified as likely benign based on ACMG/AMP sequence variant interpretation guidelines (Richards et al. 2015 PMID: 25741868, with internal and published modifications).